The following is an entry in ClinVar:

ClinVar aggregate classification (germline): Uncertain significance. Review status: criteria provided, multiple submitters, no conflicts (2 of 4 stars). 2 submissions from 2 submitters: Uncertain significance (2). Last evaluated 2025-08-21.

Conditions:
Inborn genetic diseases. Identifiers: MedGen C0950123, MeSH D030342.
Developmental and epileptic encephalopathy, 1 (DEE1). Also called: Epileptic encephalopathy, early infantile, 1; X-linked infantile spasms; West's syndrome; Tonic spasms with clustering, arrest of psychomotor development and hypsarrhythmia on EEG; X-Linked Infantile Spasm Syndrome; OHTAHARA SYNDROME, X-LINKED. Identifiers: MedGen C3463992, MONDO:0010632, OMIM 308350. Disease mechanism: loss of function.
Intellectual disability, X-linked, with or without seizures, ARX-related. Also called: Mental retardation, X-linked 52; MENTAL RETARDATION, X-LINKED 29; MENTAL RETARDATION, X-LINKED 32; MENTAL RETARDATION, X-LINKED 33; MENTAL RETARDATION, X-LINKED 38; MENTAL RETARDATION, X-LINKED 43. Identifiers: Orphanet 777, MedGen C0796244, MONDO:0010317, OMIM 300419.

Allele frequency attached by ClinVar (database versions not stated): TOPMed below 0.00001; gnomAD 0.00001.

Submissions (2):

Labcorp Genetics (formerly Invitae), Labcorp
Classification: Uncertain significance for Developmental and epileptic encephalopathy, 1; Intellectual disability, X-linked, with or without seizures, ARX-related. Last evaluated: 2025-08-21. Review status: criteria provided, single submitter. Criteria: Invitae Variant Classification Sherloc (09022015). Collection method: clinical testing. Allele origin: germline.
Comment: This sequence change falls in intron 1 of the ARX gene. It does not directly change the encoded amino acid sequence of the ARX protein. It affects a nucleotide within the consensus splice site. This variant is not present in population databases (gnomAD no frequency). This variant has not been reported in the literature in individuals affected with ARX-related conditions. ClinVar contains an entry for this variant (Variation ID: 1944866). Variants that disrupt the consensus splice site are a relatively common cause of aberrant splicing (PMID: 17576681, 9536098). Algorithms developed to predict the effect of sequence changes on RNA splicing suggest that this variant is not likely to affect RNA splicing. In summary, the available evidence is currently insufficient to determine the role of this variant in disease. Therefore, it has been classified as a Variant of Uncertain Significance.

Ambry Genetics
Classification: Uncertain significance for Inborn genetic diseases. Last evaluated: 2025-08-18. Review status: criteria provided, single submitter. Criteria: Ambry Variant Classification Scheme 2023. Collection method: clinical testing. Allele origin: germline.
Comment: The c.196+6G>A intronic alteration consists of a G to A substitution nucleotides after coding exon 1 in the ARX gene. Based on insufficient or conflicting evidence, the clinical significance of this alteration remains unclear.

Literature cited by the submitters: PubMed 17576681 (cited by Labcorp Genetics (formerly Invitae), Labcorp); PubMed 9536098 (cited by Labcorp Genetics (formerly Invitae), Labcorp).

NM_139058.3(ARX):c.196+6G>A

Gene: ARX (aristaless related homeobox; minus strand). Cytogenetic location: Xp21.3.
Variant type: single nucleotide variant.
Coding change: c.196+6G>A on transcript NM_139058.3 (MANE Select); 6 bases into the intron after coding-DNA position 196, G replaced by A.
Molecular consequence: intron variant.
Genome position (GRCh38, 1-based): chrX:25,015,536, C>T on the plus strand (G>A on the coding strand, the complement: ARX is on the minus strand). VCF-style: chrX-25015536-C-T. GRCh37 (hg19) VCF-style: chrX-25033653-C-T.
Other names: c.196+6G>A (NM_139058.2).
Identifiers: ClinVar variation 1944866 (VCV001944866.6), dbSNP rs797045293, ClinGen allele CA874149262.